The following is an entry in ClinVar:

ClinVar aggregate classification (germline): Uncertain significance. Review status: criteria provided, multiple submitters, no conflicts (2 of 4 stars). 5 submissions from 5 submitters: Uncertain significance (4). 1 of the submissions does not count toward it. Last evaluated 2025-10-27.

Conditions:
HARS1-related disorder. Also called: HARS1-related condition.
Autosomal dominant Charcot-Marie-Tooth disease type 2W. Also called: CHARCOT-MARIE-TOOTH NEUROPATHY, TYPE 2W; CHARCOT-MARIE-TOOTH DISEASE, AXONAL, AUTOSOMAL DOMINANT, TYPE 2W; Charcot-Marie-Tooth disease, axonal, type 2w. Identifiers: Orphanet 488333, MedGen C5567486, MONDO:0014711, OMIM 616625.
Usher syndrome type 3B. Also called: USHER SYNDROME, TYPE IIIB. Identifiers: MedGen C3281066, MONDO:0013788, OMIM 614504.

Allele frequency attached by ClinVar (database versions not stated): ExAC 0.00001; gnomAD exomes 0.00002; gnomAD 0.00004; TOPMed 0.00004; ESP Exome Variant Server 0.00008.
gnomAD v4.1: 37 of 1,614,148 alleles (0.0023%); highest among the groups gnomAD compares: African/African-American, 0.004%; no homozygotes.

Submissions (5):

PreventionGenetics, part of Exact Sciences
Classification: Uncertain significance for HARS1-related condition. Last evaluated: 2025-10-27. Review status: criteria provided, single submitter. Criteria: ACMG Guidelines, 2015. Collection method: clinical testing. Allele origin: germline.
Comment: The HARS1 c.1067G>A variant is predicted to result in the amino acid substitution p.Ser356Asn. This variant has been reported in an individual with peripheral neuropathy; however, the variant was inherited from an unaffected parent (Abbott et al. 2018. PubMed ID: 29235198). This variant is reported in 0.0040% of alleles in individuals of African descent in gnomAD. At this time, the clinical significance of this variant is uncertain due to the absence of conclusive functional and genetic evidence.

Labcorp Genetics (formerly Invitae), Labcorp
Classification: Uncertain significance for Usher syndrome type 3B. Last evaluated: 2025-07-21. Review status: criteria provided, single submitter. Criteria: Invitae Variant Classification Sherloc (09022015). Collection method: clinical testing. Allele origin: germline.
Comment: This sequence change replaces serine, which is neutral and polar, with asparagine, which is neutral and polar, at codon 356 of the HARS protein (p.Ser356Asn). This variant is present in population databases (rs144322728, gnomAD 0.004%). This missense change has been observed in individual(s) with Charcot-Marie-Tooth disease (PMID: 29235198). ClinVar contains an entry for this variant (Variation ID: 446301). Invitae Evidence Modeling of protein sequence and biophysical properties (such as structural, functional, and spatial information, amino acid conservation, physicochemical variation, residue mobility, and thermodynamic stability) indicates that this missense variant is expected to disrupt HARS protein function with a positive predictive value of 80%. Experimental studies have shown that this missense change affects HARS function (PMID: 29235198). In summary, the available evidence is currently insufficient to determine the role of this variant in disease. Therefore, it has been classified as a Variant of Uncertain Significance.

Mayo Clinic Laboratories, Mayo Clinic
Classification: Uncertain significance. Last evaluated: 2024-06-14. Review status: criteria provided, single submitter. Criteria: ACMG Guidelines, 2015. Collection method: clinical testing. Allele origin: germline. Observed: 1 variant allele.
Comment: PS3

Ambry Genetics
Classification: Uncertain significance. Last evaluated: 2021-11-04. Review status: criteria provided, single submitter. Criteria: Ambry Variant Classification Scheme 2023. Collection method: clinical testing. Allele origin: germline.
Comment: The p.S356N variant (also known as c.1067G>A), located in coding exon 10 of the HARS gene, results from a G to A substitution at nucleotide position 1067. The serine at codon 356 is replaced by asparagine, an amino acid with highly similar properties. This variant was detected in an individual with Charcot-Marie-Tooth disease and in an unaffected parent (Abbott JA et al. Hum Mutat, 2018 03;39:415-432). This amino acid position is highly conserved in available vertebrate species. In addition, this alteration is predicted to be tolerated by in silico analysis. Since supporting evidence is limited at this time, the clinical significance of this alteration remains unclear.

Antonellis Laboratory at Michigan, University of Michigan
Classification: Uncertain significance for Autosomal dominant Charcot-Marie-Tooth disease type 2W. Review status: no assertion criteria provided. Collection method: in vitro. Allele origin: not applicable. Inheritance: Autosomal dominant inheritance. Not counted in ClinVar's aggregate classification.

Literature cited by the submitters: PubMed 29235198 (cited by 3 submitters); PubMed 33210134 (cited by Mayo Clinic Laboratories, Mayo Clinic).

NM_002109.6(HARS1):c.1067G>A (p.Ser356Asn)

Gene: HARS1 (histidyl-tRNA synthetase 1; minus strand). Cytogenetic location: 5q31.3.
Variant type: single nucleotide variant.
Coding change: c.1067G>A on transcript NM_002109.6 (MANE Select); coding-DNA position 1067, G replaced by A.
Protein change: p.Ser356Asn; replaces serine 356 with asparagine.
Molecular consequence: missense variant.
Genome position (GRCh38, 1-based): chr5:140,676,781, C>T on the plus strand (G>A on the coding strand, the complement: HARS1 is on the minus strand). VCF-style: chr5-140676781-C-T. GRCh37 (hg19) VCF-style: chr5-140056366-C-T.
Other names: p.Ser356Asn; c.947G>A, p.Ser316Asn (NM_001258040.3); c.1007G>A, p.Ser336Asn (NM_001258041.3); c.887G>A, p.Ser296Asn (NM_001258042.3); c.845G>A, p.Ser282Asn (NM_001289092.2); c.725G>A, p.Ser242Asn (NM_001289093.2); c.980G>A, p.Ser327Asn (NM_001289094.2); short protein forms S356N, S296N, S316N, S242N, S327N, S336N, S282N.
Identifiers: ClinVar variation 446301 (VCV000446301.14), dbSNP rs144322728, ClinGen allele CA3443931.